The following is an entry in ClinVar:

ClinVar aggregate classification (germline): Conflicting classifications of pathogenicity. Review status: criteria provided, conflicting classifications (1 of 4 stars). 4 submissions from 4 submitters: Likely pathogenic (2); Uncertain significance (1). 1 of the submissions does not count toward it. Last evaluated 2024-07-17.

Conditions:
Neuropathy, congenital hypomyelinating, 3. Identifiers: MedGen C4748608, MONDO:0020766, OMIM 618186.
Lethal congenital contracture syndrome 7 (LCCS7). Identifiers: MedGen C4225386, MONDO:0014569, OMIM 616286.
Inborn genetic diseases. Identifiers: MedGen C0950123, MeSH D030342.

Allele frequency attached by ClinVar (database versions not stated): gnomAD below 0.00001 and 0.00001; gnomAD exomes below 0.00001; TOPMed below 0.00001; ExAC 0.00001.
gnomAD v4.1: 3 of 1,614,084 alleles (0.00019%); highest among the groups gnomAD compares: Admixed American, 0.0033%; no homozygotes.

Submissions (4):

Broad Center for Mendelian Genomics, Broad Institute of MIT and Harvard
Classification: Uncertain significance for Lethal congenital contracture syndrome 7. Last evaluated: 2024-07-17. Review status: criteria provided, single submitter. Criteria: ACMG Guidelines, 2015. Collection method: research. Allele origin: germline. Inheritance: Autosomal recessive inheritance. Affected: yes.
Comment: This individual, along with another homozygous individual, were reported in the literature (PMID: 27159321, 27668699, 29882456, 31395954). This variant has been identified in 0.003% (3/60004) of Latino/Admixed American chromosomes by the Genome Aggregation Database (gnomAD; dbSNP ID: rs779027563). This variant has also been reported in ClinVar (Variation ID: 522842) and has been interpreted as likely pathogenic by Undiagnosed Diseases Network and Ambry Genetics, and pathogenic by OMIM. Of the 2 affected individuals, both were homozygotes, which increases the likelihood that the p.Arg388Pro variant is pathogenic (PMID: 27159321, 27668699, 29882456, 31395954). Although this variant has been seen in the general population in a heterozygous state, its frequency is low enough to be consistent with a recessive carrier frequency. Computational prediction tools and conservation analyses do not provide strong support for or against an impact to the protein. The number of missense variants reported in CNTNAP1 in the general population is lower than expected, suggesting there is little benign variation in this gene and slightly increasing the possibility that a missense variant in this gene may not be tolerated. The phenotype of individuals homozygous for this variant is highly specific for lethal congenital contracture syndrome based on unique phenotype and strict clinical testing with disease (PMID: 29882456, PMID: 27668699) In summary, while there is some suspicion for a pathogenic role, the clinical significance of this variant is uncertain. ACMG/AMP Criteria applied: PM3, PP2, PP4, PM2_supporting (Richards 2015).

Ambry Genetics
Classification: Likely pathogenic for Inborn genetic diseases. Last evaluated: 2022-07-21. Review status: criteria provided, single submitter. Criteria: Ambry Variant Classification Scheme 2023. Collection method: clinical testing. Allele origin: germline.
Comment: The c.1163G>C (p.R388P) alteration is located in exon 8 (coding exon 8) of the CNTNAP1 gene. This alteration results from a G to C substitution at nucleotide position 1163, causing the arginine (R) at amino acid position 388 to be replaced by a proline (P). Based on data from gnomAD, the C allele has an overall frequency of <0.001% (1/251460) total alleles studied. The highest observed frequency was 0.003% (1/30616) of South Asian alleles. This alteration was detected in the homozygous state in multiple individuals with CNTNAP1-related congenital hypomyelinating neuropathy (Mehta, 2016; Conant, 2018; Wojcik, 2019). This amino acid position is not well conserved in available vertebrate species. The in silico prediction for this alteration is inconclusive. Based on the available evidence, this alteration is classified as likely pathogenic.

Undiagnosed Diseases Network, NIH
Classification: Likely pathogenic for Lethal congenital contracture syndrome 7. Last evaluated: 2017-03-26. Review status: criteria provided, single submitter. Criteria: ACMG Guidelines, 2015. Collection method: clinical testing. Allele origin: inherited. Inheritance: Autosomal recessive inheritance. Affected: yes. Observed: 1 variant allele, 1 homozygote. Study: Undiagnosed Diseases Network (NIH), UDN.
Comment: A recent study reported this c.1163G>C (p.R388P) variant in homozygous status in a patient with similar features including hypotonia, minimal gag reflex and abnormalities within cerebral white matter revealed by brain MRI (PMID: 27668699).

OMIM
Classification: Pathogenic for NEUROPATHY, CONGENITAL HYPOMYELINATING, 3. Last evaluated: 2018-11-27. Review status: no assertion criteria provided. Collection method: literature only. Allele origin: germline. Not counted in ClinVar's aggregate classification.

Literature cited by the submitters: PubMed 27668699 (cited by 3 submitters); PubMed 29882456 (cited by Ambry Genetics); PubMed 31395954 (cited by Ambry Genetics).

NM_003632.3(CNTNAP1):c.1163G>C (p.Arg388Pro)

Gene: CNTNAP1 (contactin associated protein 1; plus strand). Cytogenetic location: 17q21.2.
Variant type: single nucleotide variant.
Coding change: c.1163G>C on transcript NM_003632.3 (MANE Select); coding-DNA position 1163, G replaced by C.
Protein change: p.Arg388Pro; replaces arginine 388 with proline.
Molecular consequence: missense variant.
Genome position (GRCh38, 1-based): chr17:42,687,838, G>C. VCF-style: chr17-42687838-G-C. GRCh37 (hg19) VCF-style: chr17-40839856-G-C.
Other names: short protein forms R388P.
Identifiers: ClinVar variation 522842 (VCV000522842.9), dbSNP rs779027563, ClinGen allele CA8581722.
Genomic context (GRCh38, chr17:42,687,838, plus strand): 5'-CTCACAACTTCGTTCAAGTGCCCGGTTTCCCACGCCGTGGCCGCCTGGCAGTCTCATTTC[G>C]CTTCCGCACCTGGGACCTCACCGGGCTTCTCCTTTTCTCCCGTCTGGGGGACGGGCTGGG-3'
Protein context (NP_003623.1, residues 378-398): PRRGRLAVSF[Arg388Pro]FRTWDLTGLL